The following is an entry in ClinVar:

NM_182961.4(SYNE1):c.18363C>T (p.Ala6121=)

Gene: SYNE1 (spectrin repeat containing nuclear envelope protein 1; minus strand). Cytogenetic location: 6q25.2.
Variant type: single nucleotide variant.
Coding change: c.18363C>T on transcript NM_182961.4 (MANE Select); coding-DNA position 18363, C replaced by T.
Protein change: p.Ala6121=; no amino-acid change (alanine 6121 retained).
Molecular consequence: synonymous variant.
Genome position (GRCh38, 1-based): chr6:152,281,825, G>A on the plus strand (C>T on the coding strand, the complement: SYNE1 is on the minus strand). VCF-style: chr6-152281825-G-A. GRCh37 (hg19) VCF-style: chr6-152602960-G-A.
Other names: c.18150C>T, p.Ala6050= (NM_033071.5).
Identifiers: ClinVar variation 1134715 (VCV001134715.33), dbSNP rs758953542, ClinGen allele CA4054991.

ClinVar aggregate classification (germline): Likely benign. Review status: criteria provided, multiple submitters, no conflicts (2 of 4 stars). 3 submissions from 3 submitters: Likely benign (3). Last evaluated 2025-04-09.

Conditions:
Autosomal recessive ataxia, Beauce type. Also called: SYNE1-Related Autosomal Recessive Cerebellar Ataxia; ATAXIA, RECESSIVE, OF BEAUCE; SYNE1 Deficiency; Spinocerebellar ataxia, autosomal recessive 8. Identifiers: Orphanet 88644, MedGen C1853116, MONDO:0012549, OMIM 610743.
Emery-Dreifuss muscular dystrophy 4, autosomal dominant (EDMD4). Also called: EMERY-DREIFUSS MUSCULAR DYSTROPHY 4 WITH VARIABLE FEATURES. Identifiers: Orphanet 261, MedGen C2751807, MONDO:0013071, OMIM 612998.

Allele frequency attached by ClinVar (database versions not stated): ExAC 0.00002; gnomAD exomes 0.00002 and 0.00003.
gnomAD v4.1: 23 of 1,614,048 alleles (0.0014%); highest among the groups gnomAD compares: East Asian, 0.045%; no homozygotes.

Submissions (3):

Labcorp Genetics (formerly Invitae), Labcorp
Classification: Likely benign for Emery-Dreifuss muscular dystrophy 4, autosomal dominant; Autosomal recessive ataxia, Beauce type. Last evaluated: 2025-04-09. Review status: criteria provided, single submitter. Criteria: Invitae Variant Classification Sherloc (09022015). Collection method: clinical testing. Allele origin: germline.

Blueprint Genetics
Classification: Likely benign. Last evaluated: 2022-07-13. Review status: criteria provided, single submitter. Criteria: ACMG Guidelines, 2015. Collection method: clinical testing. Allele origin: germline.

CeGaT Center for Human Genetics Tuebingen
Classification: Likely benign. Last evaluated: 2022-07-01. Review status: criteria provided, single submitter. Criteria: CeGaT Center For Human Genetics Tuebingen Variant Classification Criteria Version 2. Collection method: clinical testing. Allele origin: germline. Affected: yes. Observed: 1 variant allele.
Comment: SYNE1: BP4, BP7